The following is an entry in ClinVar:

NM_000301.5(PLG):c.1600C>G (p.Pro534Ala)

Gene: PLG (plasminogen; plus strand). Cytogenetic location: 6q26.
Variant type: single nucleotide variant.
Coding change: c.1600C>G on transcript NM_000301.5 (MANE Select); coding-DNA position 1600, C replaced by G.
Protein change: p.Pro534Ala; replaces proline 534 with alanine.
Molecular consequence: missense variant.
Genome position (GRCh38, 1-based): chr6:160,734,007, C>G. VCF-style: chr6-160734007-C-G. GRCh37 (hg19) VCF-style: chr6-161155039-C-G.
Other names: short protein forms P534A.
Identifiers: ClinVar variation 3686269 (VCV003686269.2).

ClinVar aggregate classification (germline): Uncertain significance (1 of 4 stars; one submission).

gnomAD v4.1: 1 of 1,604,628 alleles (0.000062%); highest among the groups gnomAD compares: Non-Finnish European, 0.000085%; no homozygotes.

Submission:

Labcorp Genetics (formerly Invitae), Labcorp
Classification: Uncertain significance. Last evaluated: 2025-07-13. Review status: criteria provided, single submitter. Criteria: Invitae Variant Classification Sherloc (09022015). Collection method: clinical testing. Allele origin: germline.
Comment: This sequence change replaces proline, which is neutral and non-polar, with alanine, which is neutral and non-polar, at codon 534 of the PLG protein (p.Pro534Ala). This variant is not present in population databases (gnomAD no frequency). This variant has not been reported in the literature in individuals affected with PLG-related conditions. ClinVar contains an entry for this variant (Variation ID: 3686269). Invitae Evidence Modeling of protein sequence and biophysical properties (such as structural, functional, and spatial information, amino acid conservation, physicochemical variation, residue mobility, and thermodynamic stability) indicates that this missense variant is not expected to disrupt PLG protein function with a negative predictive value of 80%. In summary, the available evidence is currently insufficient to determine the role of this variant in disease. Therefore, it has been classified as a Variant of Uncertain Significance.